The following is an entry in ClinVar:

ClinVar aggregate classification (germline): Uncertain significance (1 of 4 stars; one submission).

Allele frequency attached by ClinVar (database versions not stated): ExAC 0.00001; gnomAD exomes 0.00001.
gnomAD v4.1: 8 of 1,613,884 alleles (0.0005%); highest among the groups gnomAD compares: Middle Eastern, 0.016%; no homozygotes.

Submission:

Labcorp Genetics (formerly Invitae), Labcorp
Classification: Uncertain significance. Last evaluated: 2020-10-31. Review status: criteria provided, single submitter. Criteria: Invitae Variant Classification Sherloc (09022015). Collection method: clinical testing. Allele origin: germline.
Comment: In summary, the available evidence is currently insufficient to determine the role of this variant in disease. Therefore, it has been classified as a Variant of Uncertain Significance. Advanced modeling of protein sequence and biophysical properties (such as structural, functional, and spatial information, amino acid conservation, physicochemical variation, residue mobility, and thermodynamic stability) performed at Invitae indicates that this missense variant is not expected to disrupt FAT4 protein function. This variant has not been reported in the literature in individuals with FAT4-related conditions. This variant is present in population databases (rs771620229, ExAC 0.002%). This sequence change replaces arginine with glycine at codon 73 of the FAT4 protein (p.Arg73Gly). The arginine residue is highly conserved and there is a moderate physicochemical difference between arginine and glycine.

NM_001291303.3(FAT4):c.217A>G (p.Arg73Gly)

Gene: FAT4 (FAT atypical cadherin 4; plus strand). Cytogenetic location: 4q28.1.
Variant type: single nucleotide variant.
Coding change: c.217A>G on transcript NM_001291303.3 (MANE Select); coding-DNA position 217, A replaced by G.
Protein change: p.Arg73Gly; replaces arginine 73 with glycine.
Molecular consequence: missense variant.
Genome position (GRCh38, 1-based): chr4:125,316,628, A>G. VCF-style: chr4-125316628-A-G. GRCh37 (hg19) VCF-style: chr4-126237783-A-G.
Other names: c.217A>G, p.Arg73Gly (NM_001291285.3, NM_024582.6); short protein forms R73G.
Identifiers: ClinVar variation 1495857 (VCV001495857.7), dbSNP rs771620229, ClinGen allele CA3071767.
Genomic context (GRCh38, chr4:125,316,628, plus strand): 5'-GAAGAGCAACCTCCAGGCACTCTGGTAGGCACCATCCAGACGCGCCCCGGCTTCACCTAC[A>G]GGCTCAGCGAAAGCCACGCCCTGTTTGCCATAAACAGTAGCACCGGAGCCCTGTACACCA-3'
Protein context (NP_001278232.1, residues 63-83): TIQTRPGFTY[Arg73Gly]LSESHALFAI